The following is an entry in ClinVar:

ClinVar aggregate classification (germline): Likely benign. Review status: criteria provided, single submitter (1 of 4 stars). 2 submissions from 2 submitters: Likely benign (1). 1 of the submissions does not count toward it. Last evaluated 2024-04-10.

Conditions:
Microphthalmia, syndromic 9. Also called: SPEAR SYNDROME; Matthew-Wood syndrome; ANOPHTHALMIA, CLINICAL, WITH MILD FACIAL DYSMORPHISM AND VARIABLE MALFORMATIONS OF THE LUNG, HEART, AND DIAPHRAGM; ANOPHTHALMIA/MICROPHTHALMIA AND PULMONARY HYPOPLASIA; PULMONARY AGENESIS, MICROPHTHALMIA, AND DIAPHRAGMATIC DEFECT. Identifiers: Orphanet 2470, MedGen C1832661, MONDO:0011010, OMIM 601186.
STRA6-related disorder. Also called: STRA6-related condition.

Allele frequency attached by ClinVar (database versions not stated): TOPMed 0.00001; ExAC 0.00003; gnomAD 0.00005; ESP Exome Variant Server 0.00008; 1000 Genomes Project 30x 0.00031; 1000 Genomes Project 0.00040.

Submissions (2):

Labcorp Genetics (formerly Invitae), Labcorp
Classification: Likely benign for Microphthalmia, syndromic 9. Last evaluated: 2024-04-10. Review status: criteria provided, single submitter. Criteria: Invitae Variant Classification Sherloc (09022015). Collection method: clinical testing. Allele origin: germline.

PreventionGenetics, part of Exact Sciences
Classification: Likely benign for STRA6-related condition. Last evaluated: 2023-08-03. Review status: no assertion criteria provided. Collection method: clinical testing. Allele origin: germline. Not counted in ClinVar's aggregate classification.
Comment: This variant is classified as likely benign based on ACMG/AMP sequence variant interpretation guidelines (Richards et al. 2015 PMID: 25741868, with internal and published modifications).

NM_022369.4(STRA6):c.648C>T (p.Leu216=)

Gene: STRA6 (signaling receptor and transporter of retinol STRA6; minus strand). Cytogenetic location: 15q24.1.
Variant type: single nucleotide variant.
Coding change: c.648C>T on transcript NM_022369.4 (MANE Select); coding-DNA position 648, C replaced by T.
Protein change: p.Leu216=; no amino-acid change (leucine 216 retained).
Molecular consequence: synonymous variant.
Genome position (GRCh38, 1-based): chr15:74,193,872, G>A on the plus strand (C>T on the coding strand, the complement: STRA6 is on the minus strand). VCF-style: chr15-74193872-G-A. GRCh37 (hg19) VCF-style: chr15-74486213-G-A.
Other names: c.759C>T, p.Leu253= (NM_001199040.2); c.693C>T, p.Leu231= (NM_001199041.2); c.765C>T, p.Leu255= (NM_001199042.2); c.648C>T, p.Leu216= (NM_001142617.2, NM_001142618.2); c.621C>T, p.Leu207= (NM_001142619.2).
Identifiers: ClinVar variation 3054876 (VCV003054876.4), dbSNP rs3743215, ClinGen allele CA7654909.